The following is an entry in ClinVar:

ClinVar aggregate classification (germline): Pathogenic (1 of 4 stars; one submission).

Submission:

Labcorp Genetics (formerly Invitae), Labcorp
Classification: Pathogenic. Last evaluated: 2023-11-24. Review status: criteria provided, single submitter. Criteria: Invitae Variant Classification Sherloc (09022015). Collection method: clinical testing. Allele origin: germline.
Comment: This sequence change creates a premature translational stop signal (p.Gly1858Glufs*24) in the NBAS gene. It is expected to result in an absent or disrupted protein product. Loss-of-function variants in NBAS are known to be pathogenic (PMID: 26073778, 26541327, 27789416, 28031453). This variant is not present in population databases (gnomAD no frequency). This variant has not been reported in the literature in individuals affected with NBAS-related conditions. For these reasons, this variant has been classified as Pathogenic.

Literature cited by the submitters: PubMed 26073778; PubMed 26541327; PubMed 27789416; PubMed 28031453.

NM_015909.4(NBAS):c.5571del (p.Gly1858fs)

Gene: NBAS (NBAS subunit of NRZ tethering complex; minus strand). Cytogenetic location: 2p24.3.
Variant type: Deletion.
Coding change: c.5571del on transcript NM_015909.4 (MANE Select); coding-DNA position 5571, one base deleted (T; older notation c.5571delT).
Protein change: p.Gly1858fs; shifts the reading frame from glycine 1858.
Molecular consequence: frameshift variant. On other transcripts: non-coding transcript variant (1).
Genome position (GRCh38, 1-based): chr2:15,275,637, A deleted on the plus strand (T on the coding strand, the reverse complement: NBAS is on the minus strand). VCF-style (leftmost placement, unchanged base first): chr2-15275636-CA-C. GRCh37 (hg19) VCF-style: chr2-15415760-CA-C.
Other names: short protein forms G1858fs.
Identifiers: ClinVar variation 2698499 (VCV002698499.3), dbSNP rs2528115427, ClinGen allele CA2697547818.
Genomic context (GRCh38, chr2:15,275,636, plus strand): 5'-CATAGGCATGAAGCCACTCCGGTGAAGAGCCTGGGACTTGTTTAATGAGATGAGGGTCTC[CA>C]GTCCAGAACAACTTCTGTAACCAGATGGTGTACAGAGAGCTTGGGGAAAGCATCTGTCCA-3'